The following is an entry in ClinVar:

ClinVar aggregate classification (germline): Pathogenic (1 of 4 stars; one submission).

Conditions:
Telangiectasia, hereditary hemorrhagic, type 1 (HHT1). Also called: Osler Weber Rendu syndrome type 1; ENG-Related Hereditary Hemorrhagic Telangiectasia. Identifiers: Orphanet 774, MedGen C4551861, MONDO:0008535, OMIM 187300. Disease mechanism: loss of function.

Submission:

NIHR Bioresource Rare Diseases, University of Cambridge
Classification: Pathogenic for Telangiectasia, hereditary hemorrhagic, type 1. Last evaluated: 2018-01-01. Review status: criteria provided, single submitter. Criteria: ACMG Guidelines, 2015. Collection method: research. Allele origin: unknown. Affected: yes. Observed: 1 variant allele.
Comment: PVS1+PM2+PP4

Literature cited by the submitters: PubMed 32573726.

Single allele

Gene: ENG (endoglin; minus strand). Cytogenetic location: 9q34.11.
Variant type: Deletion.
Identifiers: ClinVar variation 982465 (VCV000982465.1).